The following is an entry in ClinVar:

NM_000593.6(TAP1):c.959T>A (p.Met320Lys)

Gene: TAP1 (transporter 1, ATP binding cassette subfamily B member; minus strand). Cytogenetic location: 6p21.32.
Variant type: single nucleotide variant.
Coding change: c.959T>A on transcript NM_000593.6 (MANE Select); coding-DNA position 959, T replaced by A.
Protein change: p.Met320Lys; replaces methionine 320 with lysine.
Molecular consequence: missense variant.
Genome position (GRCh38, 1-based): chr6:32,851,035, A>T on the plus strand (T>A on the coding strand, the complement: TAP1 is on the minus strand). VCF-style: chr6-32851035-A-T. GRCh37 (hg19) VCF-style: chr6-32818812-A-T.
Other names: c.356T>A, p.Met119Lys (NM_001292022.2); short protein forms M380K, M119K, M320K.
Identifiers: ClinVar variation 859363 (VCV000859363.7), dbSNP rs1019200817, ClinGen allele CA137016676.

ClinVar aggregate classification (germline): Uncertain significance (1 of 4 stars; one submission).

Conditions:
MHC class I deficiency. Identifiers: Orphanet 34592, MedGen C6024714, MONDO:0011476.

Allele frequency attached by ClinVar (database versions not stated): gnomAD 0.00001; TOPMed 0.00001.
gnomAD v4.1: 5 of 1,612,952 alleles (0.00031%); highest among the groups gnomAD compares: Non-Finnish European, 0.00042%; no homozygotes.

Submission:

Labcorp Genetics (formerly Invitae), Labcorp
Classification: Uncertain significance for MHC class I deficiency 1. Last evaluated: 2019-12-02. Review status: criteria provided, single submitter. Criteria: Invitae Variant Classification Sherloc (09022015). Collection method: clinical testing. Allele origin: germline.
Comment: In summary, the available evidence is currently insufficient to determine the role of this variant in disease. Therefore, it has been classified as a Variant of Uncertain Significance. Algorithms developed to predict the effect of sequence changes on RNA splicing suggest that this variant may create or strengthen a splice site, but this prediction has not been confirmed by published transcriptional studies. Algorithms developed to predict the effect of missense changes on protein structure and function are either unavailable or do not agree on the potential impact of this missense change (SIFT: "Deleterious"; PolyPhen-2: "Probably Damaging"; Align-GVGD: "Class C0"). This variant has not been reported in the literature in individuals with TAP1-related conditions. This variant is not present in population databases (ExAC no frequency). This sequence change replaces methionine with lysine at codon 380 of the TAP1 protein (p.Met380Lys). The methionine residue is moderately conserved and there is a moderate physicochemical difference between methionine and lysine.